The following is an entry in ClinVar:

ClinVar aggregate classification (germline): Pathogenic. Review status: criteria provided, multiple submitters, no conflicts (2 of 4 stars). 2 submissions from 2 submitters: Pathogenic (2). Last evaluated 2026-03-24.

Conditions:
Hereditary cancer-predisposing syndrome. Also called: Hereditary Cancer Syndrome; Tumor predisposition; Hereditary neoplastic syndrome; Neoplastic Syndromes, Hereditary. Identifiers: Orphanet 140162, MedGen C0027672, MeSH D009386, MONDO:0015356.

Submissions (2):

Ambry Genetics
Classification: Pathogenic for Hereditary cancer-predisposing syndrome. Last evaluated: 2026-03-24. Review status: criteria provided, single submitter. Criteria: Ambry Variant Classification Scheme 2023. Collection method: clinical testing. Allele origin: germline.
Comment: The c.2479_2480delGTinsC pathogenic mutation, located in coding exon 21 of the TSC2 gene, results from the deletion of two nucleotides and insertion of one nucleotide causing a translational frameshift with a predicted alternate stop codon (p.V827Rfs*2). This variant was reported in individual(s) with features consistent with tuberous sclerosis complex (Ambry internal data). This variant is considered to be rare based on population cohorts in the Genome Aggregation Database (gnomAD). This alteration is expected to result in loss of function by premature protein truncation or nonsense-mediated mRNA decay. As such, this alteration is interpreted as a disease-causing mutation.

Athena Diagnostics
Classification: Pathogenic. Last evaluated: 2017-05-03. Review status: criteria provided, single submitter. Criteria: Athena Diagnostics Criteria. Collection method: clinical testing. Allele origin: germline.

NM_000548.5(TSC2):c.2479_2480delinsC (p.Val827fs)

Gene: TSC2 (TSC complex subunit 2; plus strand). Cytogenetic location: 16p13.3.
Variant type: Indel.
Coding change: c.2479_2480delinsC on transcript NM_000548.5 (MANE Select); coding-DNA positions 2479 to 2480, GT replaced by C.
Protein change: p.Val827fs; shifts the reading frame from valine 827.
Molecular consequence: frameshift variant.
Genome position (GRCh38, 1-based): chr16:2,074,323-2,074,324, GT replaced by C. VCF-style: chr16-2074323-GT-C. GRCh37 (hg19) VCF-style: chr16-2124324-GT-C.
Other names: c.2479_2480delinsC, p.Val827fs (NM_001077183.3, NM_001114382.3, NM_001363528.2 and 3 more transcripts); c.2368_2369delinsC, p.Val790fs (NM_001318827.2); c.2332_2333delinsC, p.Val778fs (NM_001318829.2); c.1879_1880delinsC, p.Val627fs (NM_001318831.2); c.2512_2513delinsC, p.Val838fs (NM_001318832.2); c.2479_2480delGTinsC (NM_000548.3); short protein forms V838fs, V627fs, V827fs, V778fs, V790fs.
Identifiers: ClinVar variation 448725 (VCV000448725.2), dbSNP rs1555507612, ClinGen allele CA658658378.